The following is an entry in ClinVar:

NM_000188.3(HK1):c.2633C>T (p.Thr878Met)

Gene: HK1 (hexokinase 1; plus strand). Cytogenetic location: 10q22.1.
Variant type: single nucleotide variant.
Coding change: c.2633C>T on transcript NM_000188.3 (MANE Select); coding-DNA position 2633, C replaced by T.
Protein change: p.Thr878Met; replaces threonine 878 with methionine.
Molecular consequence: missense variant.
Genome position (GRCh38, 1-based): chr10:69,401,014, C>T. VCF-style: chr10-69401014-C-T. GRCh37 (hg19) VCF-style: chr10-71160770-C-T.
Other names: p.Thr877Met; c.2630C>T (NM_033496.2); c.2645C>T, p.Thr882Met (NM_001322364.2, NM_001358263.1, NM_033497.3 and 1 more transcripts); c.2738C>T, p.Thr913Met (NM_001322365.2); c.2549C>T, p.Thr850Met (NM_001322366.1); c.2537C>T, p.Thr846Met (NM_001322367.1); c.2630C>T, p.Thr877Met (NM_033496.3); c.2597C>T, p.Thr866Met (NM_033500.2); short protein forms T850M, T882M, T913M, T846M, T877M, T878M, T866M.
Identifiers: ClinVar variation 962834 (VCV000962834.15), dbSNP rs150481224, ClinGen allele CA5532909.

ClinVar aggregate classification (germline): Uncertain significance. Review status: criteria provided, multiple submitters, no conflicts (2 of 4 stars). 7 submissions from 7 submitters: Uncertain significance (6). 1 of the submissions does not count toward it. Last evaluated 2026-08-03.

Conditions:
HK1-related disorder. Also called: HK1-related disorders; HK1-related condition.
Retinal dystrophy. Also called: Inherited retinal dystrophy. Identifiers: Orphanet 71862, MedGen C0854723, MeSH D058499, MONDO:0019118, HP:0000556.

Allele frequency attached by ClinVar (database versions not stated): TOPMed 0.00010; ExAC 0.00012; gnomAD 0.00013; gnomAD exomes 0.00017 and 0.00010; ESP Exome Variant Server 0.00023.
gnomAD v4.1: 263 of 1,614,126 alleles (0.016%); highest among the groups gnomAD compares: Non-Finnish European, 0.02%; 1 homozygote.

Submissions (7):

PreventionGenetics, part of Exact Sciences
Classification: Uncertain significance for HK1-related condition. Last evaluated: 2026-08-03. Review status: criteria provided, single submitter. Criteria: ACMG Guidelines, 2015. Collection method: clinical testing. Allele origin: germline.
Comment: The HK1 c.2633C>T variant is predicted to result in the amino acid substitution p.Thr878Met. To our knowledge, this variant has not been reported in the literature. This variant is reported in 0.016% of alleles in individuals of African descent in gnomAD. At this time, the clinical significance of this variant is uncertain due to the absence of conclusive functional and genetic evidence.

Women's Health and Genetics/Laboratory Corporation of America, LabCorp
Classification: Uncertain significance. Last evaluated: 2026-04-15. Review status: criteria provided, single submitter. Criteria: LabCorp Variant Classification Summary - May 2015. Collection method: clinical testing. Allele origin: germline.
Comment: Variant summary: HK1 c.2633C>T (p.Thr878Met) results in a non-conservative amino acid change in the encoded protein sequence. Algorithms developed to predict the effect of missense changes on protein structure and function all suggest that this variant is likely to be disruptive. The variant allele was found at a frequency of 9.9e-05 in 251450 control chromosomes. This frequency is not significantly higher than estimated for disease-causing variants in HK1, allowing no conclusion about variant significance. To our knowledge, no occurrence of c.2633C>T in individuals affected with HK1-related conditions and no experimental evidence demonstrating its impact on protein function have been reported. ClinVar contains an entry for this variant (Variation ID: 962834). Based on the evidence outlined above, the variant was classified as uncertain significance.

Labcorp Genetics (formerly Invitae), Labcorp
Classification: Uncertain significance. Last evaluated: 2025-12-17. Review status: criteria provided, single submitter. Criteria: Invitae Variant Classification Sherloc (09022015). Collection method: clinical testing. Allele origin: germline.
Comment: This sequence change replaces threonine, which is neutral and polar, with methionine, which is neutral and non-polar, at codon 878 of the HK1 protein (p.Thr878Met). This variant is present in population databases (rs150481224, gnomAD 0.02%). This variant has not been reported in the literature in individuals affected with HK1-related conditions. ClinVar contains an entry for this variant (Variation ID: 962834). Invitae Evidence Modeling of protein sequence and biophysical properties (such as structural, functional, and spatial information, amino acid conservation, physicochemical variation, residue mobility, and thermodynamic stability) indicates that this missense variant is not expected to disrupt HK1 protein function with a negative predictive value of 80%. In summary, the available evidence is currently insufficient to determine the role of this variant in disease. Therefore, it has been classified as a Variant of Uncertain Significance.

Revvity Omics, Revvity
Classification: Uncertain significance. Last evaluated: 2024-10-22. Review status: criteria provided, single submitter. Criteria: ACMG Guidelines, 2015. Collection method: clinical testing. Allele origin: germline.

Blueprint Genetics
Classification: Uncertain significance. Last evaluated: 2024-06-19. Review status: criteria provided, single submitter. Criteria: ACMG Guidelines, 2015. Collection method: clinical testing. Allele origin: germline.

Mayo Clinic Laboratories, Mayo Clinic
Classification: Uncertain significance. Last evaluated: 2022-09-26. Review status: criteria provided, single submitter. Criteria: ACMG Guidelines, 2015. Collection method: clinical testing. Allele origin: germline. Observed: 2 variant alleles.
Comment: PP3

Institute of Human Genetics, Univ. Regensburg, Univ. Regensburg
Classification: Uncertain significance for Retinal dystrophy. Last evaluated: 2021-01-01. Review status: no assertion criteria provided. Criteria: ACMG Guidelines, 2015. Collection method: clinical testing. Allele origin: germline. Affected: yes. Not counted in ClinVar's aggregate classification.